The following is an entry in ClinVar:

NM_001035.3(RYR2):c.9329A>C (p.Glu3110Ala)

Gene: RYR2 (ryanodine receptor 2; plus strand). Cytogenetic location: 1q43.
Variant type: single nucleotide variant.
Coding change: c.9329A>C on transcript NM_001035.3 (MANE Select); coding-DNA position 9329, A replaced by C.
Protein change: p.Glu3110Ala; replaces glutamic acid 3110 with alanine.
Molecular consequence: missense variant.
Genome position (GRCh38, 1-based): chr1:237,700,429, A>C. VCF-style: chr1-237700429-A-C. GRCh37 (hg19) VCF-style: chr1-237863729-A-C.
Other names: c.9329A>C (NM_001035.2); short protein forms E3110A.
Identifiers: ClinVar variation 925860 (VCV000925860.17), dbSNP rs1419674808, ClinGen allele CA345406184.
Genomic context (GRCh38, chr1:237,700,429, plus strand): 5'-TTACTCAGATTATCAATTACACCACAGTGGCCCTGCTGCCAATGCTGTCTTCATTATTTG[A>C]ACATATTGGCCAGCATCAGTTCGGAGAAGACCTAATATGTATGTAAATTTATATCTTGGA-3'
Protein context (NP_001026.2, residues 3100-3120): ALLPMLSSLF[Glu3110Ala]HIGQHQFGED

ClinVar aggregate classification (germline): Uncertain significance. Review status: criteria provided, multiple submitters, no conflicts (2 of 4 stars). 4 submissions from 4 submitters: Uncertain significance (4). Last evaluated 2024-03-06.

Conditions:
Cardiomyopathy (CMYO). Also called: Cardiomyopathies. Identifiers: Orphanet 167848, MedGen C0878544, MONDO:0004994, HP:0001638. Inheritance: Various modes of inheritance.
Catecholaminergic polymorphic ventricular tachycardia 1. Also called: VENTRICULAR TACHYCARDIA, CATECHOLAMINERGIC POLYMORPHIC, 1, WITH OR WITHOUT ATRIAL DYSFUNCTION AND/OR DILATED CARDIOMYOPATHY; VENTRICULAR TACHYCARDIA, STRESS-INDUCED POLYMORPHIC 1; RYR2-Related Catecholaminergic Polymorphic Ventricular Tachycardia. Identifiers: Orphanet 3286, MedGen C1631597, MONDO:0011484, OMIM 604772.
Cardiovascular phenotype. Identifiers: MedGen CN230736.
Catecholaminergic polymorphic ventricular tachycardia (CVPT). Also called: Catecholamine-induced polymorphic ventricular tachycardia. Identifiers: Orphanet 3286, MedGen C5574922, MONDO:0017990.

Allele frequency attached by ClinVar (database versions not stated): gnomAD 0.00001; gnomAD exomes below 0.00001; TOPMed below 0.00001.
gnomAD v4.1: 2 of 1,604,048 alleles (0.00012%); highest among the groups gnomAD compares: Non-Finnish European, 0.00017%; no homozygotes.

Submissions (4):

Color Diagnostics, LLC DBA Color Health
Classification: Uncertain significance for Cardiomyopathy. Last evaluated: 2024-03-06. Review status: criteria provided, single submitter. Criteria: ACMG Guidelines, 2015. Collection method: clinical testing. Allele origin: germline.
Comment: This missense variant replaces glutamic acid with alanine at codon 3110 of the RYR2 protein. Computational prediction suggests that this variant may not impact protein structure and function (internally defined REVEL score threshold <= 0.5, PMID: 27666373). To our knowledge, functional studies have not been reported for this variant. This variant has not been reported in individuals affected with RYR2-related disorders in the literature. This variant has been identified in 1/242666 chromosomes in the general population by the Genome Aggregation Database (gnomAD). The available evidence is insufficient to determine the role of this variant in disease conclusively. Therefore, this variant is classified as a Variant of Uncertain Significance.

All of Us Research Program, National Institutes of Health
Classification: Uncertain significance for Catecholaminergic polymorphic ventricular tachycardia. Last evaluated: 2023-11-20. Review status: criteria provided, single submitter. Criteria: ACMG Guidelines, 2015. Collection method: clinical testing. Allele origin: germline. Inheritance: Autosomal dominant inheritance. Observed: 4 variant alleles, 4 heterozygotes.
Comment: This missense variant replaces glutamic acid with alanine at codon 3110 of the RYR2 protein. Computational prediction suggests that this variant may not impact protein structure and function (internally defined REVEL score threshold <= 0.5, PMID: 27666373). Splice site prediction tools suggest that this variant may not impact RNA splicing. To our knowledge, functional studies have not been performed for this variant. This variant has not been reported in individuals affected with cardiovascular disorders in the literature. This variant has been identified in 1/242666 chromosomes in the general population by the Genome Aggregation Database (gnomAD). The available evidence is insufficient to determine the role of this variant in disease conclusively. Therefore, this variant is classified as a Variant of Uncertain Significance.

This study involves interpretation of variants in research participants for the purpose of population health screening. Participant phenotype was not available at the time of variant classification. Additional details can be found in publication PMID: 35346344, PMCID: PMC8962531

Ambry Genetics
Classification: Uncertain significance for Cardiovascular phenotype. Last evaluated: 2022-09-12. Review status: criteria provided, single submitter. Criteria: Ambry Variant Classification Scheme 2023. Collection method: clinical testing. Allele origin: germline.
Comment: The p.E3110A variant (also known as c.9329A>C), located in coding exon 65 of the RYR2 gene, results from an A to C substitution at nucleotide position 9329. The glutamic acid at codon 3110 is replaced by alanine, an amino acid with dissimilar properties. This amino acid position is well conserved in available vertebrate species. In addition, this alteration is predicted to be tolerated by in silico analysis. Since supporting evidence is limited at this time, the clinical significance of this alteration remains unclear.

Labcorp Genetics (formerly Invitae), Labcorp
Classification: Uncertain significance for Catecholaminergic polymorphic ventricular tachycardia 1. Last evaluated: 2022-07-25. Review status: criteria provided, single submitter. Criteria: Invitae Variant Classification Sherloc (09022015). Collection method: clinical testing. Allele origin: germline.
Comment: In summary, the available evidence is currently insufficient to determine the role of this variant in disease. Therefore, it has been classified as a Variant of Uncertain Significance. Advanced modeling of protein sequence and biophysical properties (such as structural, functional, and spatial information, amino acid conservation, physicochemical variation, residue mobility, and thermodynamic stability) performed at Invitae indicates that this missense variant is not expected to disrupt RYR2 protein function. ClinVar contains an entry for this variant (Variation ID: 925860). This variant has not been reported in the literature in individuals affected with RYR2-related conditions. This variant is present in population databases (no rsID available, gnomAD 0.0009%). This sequence change replaces glutamic acid, which is acidic and polar, with alanine, which is neutral and non-polar, at codon 3110 of the RYR2 protein (p.Glu3110Ala).